The following is an entry in ClinVar:

ClinVar aggregate classification (germline): Pathogenic/Likely pathogenic. Review status: criteria provided, multiple submitters, no conflicts (2 of 4 stars). 5 submissions from 5 submitters: Pathogenic (4); Likely pathogenic (1). Last evaluated 2024-03-15.

Conditions:
Peutz-Jeghers syndrome (PJS). Also called: POLYPOSIS, HAMARTOMATOUS INTESTINAL; POLYPS-AND-SPOTS SYNDROME; Peutz-Jeghers polyposis; Periorificial lentiginosis syndrome. Identifiers: Orphanet 2869, MedGen C0031269, MeSH D010580, MONDO:0008280, OMIM 175200.
Hereditary cancer-predisposing syndrome. Also called: Tumor predisposition; Neoplastic Syndromes, Hereditary; Hereditary Cancer Syndrome; Hereditary neoplastic syndrome. Identifiers: Orphanet 140162, MedGen C0027672, MeSH D009386, MONDO:0015356.

Submissions (5):

Labcorp Genetics (formerly Invitae), Labcorp
Classification: Pathogenic for Peutz-Jeghers syndrome. Last evaluated: 2024-03-15. Review status: criteria provided, single submitter. Criteria: Invitae Variant Classification Sherloc (09022015). Collection method: clinical testing. Allele origin: germline.
Comment: This sequence change creates a premature translational stop signal (p.Trp308*) in the STK11 gene. It is expected to result in an absent or disrupted protein product. Loss-of-function variants in STK11 are known to be pathogenic (PMID: 15188174, 16287113). This variant is not present in population databases (gnomAD no frequency). This premature translational stop signal has been observed in individual(s) with Peutz-Jeghers syndrome (PMID: 9887330, 28869103, 32462036). ClinVar contains an entry for this variant (Variation ID: 492567). For these reasons, this variant has been classified as Pathogenic.

Ambry Genetics
Classification: Pathogenic for Hereditary cancer-predisposing syndrome. Last evaluated: 2023-09-06. Review status: criteria provided, single submitter. Criteria: Ambry Variant Classification Scheme 2023. Collection method: clinical testing. Allele origin: germline.
Comment: The p.W308* pathogenic mutation (also known as c.923G>A), located in coding exon 8 of the STK11 gene, results from a G to A substitution at nucleotide position 923. This changes the amino acid from a tryptophan to a stop codon within coding exon 8. This alteration has been observed in multiple individuals with a personal and/or family history that is consistent with STK11-related disease (Ylikorkala A et al. Hum Mol Genet, 1999 Jan;8:45-51; Chiang JM et al. Asian J Surg, 2018 Sep;41:480-485; Wu BD et al. Biomed Res Int, 2020 May;2020:9159315; Ambry internal data). In addition to the clinical data presented in the literature, this alteration is expected to result in loss of function by premature protein truncation or nonsense-mediated mRNA decay. As such, this alteration is interpreted as a disease-causing mutation.

Genome-Nilou Lab
Classification: Likely pathogenic for Peutz-Jeghers syndrome. Last evaluated: 2021-07-15. Review status: criteria provided, single submitter. Criteria: ACMG Guidelines, 2015. Collection method: clinical testing. Allele origin: germline. Affected: no.

Color Diagnostics, LLC DBA Color Health
Classification: Pathogenic for Hereditary cancer-predisposing syndrome. Last evaluated: 2021-04-26. Review status: criteria provided, single submitter. Criteria: ACMG Guidelines, 2015. Collection method: clinical testing. Allele origin: germline.
Comment: This variant changes 1 nucleotide in exon 8 of the STK11 gene, creating a premature translation stop signal at codon 308 of the STK11 protein. This variant is expected to result in an absent or non-functional protein product. This variant has been reported in individuals affected with Peutz–Jeghers polyposis syndrome (PMID: 9887330, 20497868, 28869103, 30092773). This variant has not been identified in the general population by the Genome Aggregation Database (gnomAD). Loss of STK11 function is a known mechanism of disease. Based on the available evidence, this variant is classified as Pathogenic.

Clinical Genetics and Genomics, Karolinska University Hospital
Classification: Pathogenic. Last evaluated: 2019-08-14. Review status: criteria provided, single submitter. Criteria: ACMG Guidelines, 2015. Collection method: clinical testing. Allele origin: germline. Affected: yes. Observed: 1 variant allele.

Literature cited by the submitters: PubMed 15188174 (cited by Labcorp Genetics (formerly Invitae), Labcorp); PubMed 16287113 (cited by Labcorp Genetics (formerly Invitae), Labcorp); PubMed 9887330 (cited by Labcorp Genetics (formerly Invitae), Labcorp and Ambry Genetics); PubMed 28869103 (cited by Labcorp Genetics (formerly Invitae), Labcorp and Ambry Genetics); PubMed 32462036 (cited by Labcorp Genetics (formerly Invitae), Labcorp and Ambry Genetics).

NM_000455.5(STK11):c.923G>A (p.Trp308Ter)

Gene: STK11 (serine/threonine kinase 11; plus strand). Cytogenetic location: 19p13.3.
Variant type: single nucleotide variant.
Coding change: c.923G>A on transcript NM_000455.5 (MANE Select); coding-DNA position 923, G replaced by A.
Protein change: p.Trp308Ter; replaces tryptophan 308 with a stop codon.
Molecular consequence: nonsense.
Genome position (GRCh38, 1-based): chr19:1,222,987, G>A. VCF-style: chr19-1222987-G-A. GRCh37 (hg19) VCF-style: chr19-1222986-G-A.
Other names: short protein forms W308*.
Identifiers: ClinVar variation 492567 (VCV000492567.12), dbSNP rs864622488, ClinGen allele CA402951422.